The following is an entry in ClinVar:

ClinVar aggregate classification (germline): Uncertain significance (1 of 4 stars; one submission).

Submission:

Labcorp Genetics (formerly Invitae), Labcorp
Classification: Uncertain significance. Last evaluated: 2025-05-14. Review status: criteria provided, single submitter. Criteria: Invitae Variant Classification Sherloc (09022015). Collection method: clinical testing. Allele origin: germline.
Comment: This sequence change creates a premature translational stop signal (p.Glu1339*) in the A2ML1 gene. It is expected to result in an absent or disrupted protein product. However, the current clinical and genetic evidence is not sufficient to establish whether loss-of-function variants in A2ML1 cause disease. This variant is not present in population databases (gnomAD no frequency). This variant has not been reported in the literature in individuals affected with A2ML1-related conditions. Algorithms developed to predict the effect of sequence changes on RNA splicing suggest that this variant may disrupt the consensus splice site. In summary, the available evidence is currently insufficient to determine the role of this variant in disease. Therefore, it has been classified as a Variant of Uncertain Significance.

NM_144670.6(A2ML1):c.4015G>T (p.Glu1339Ter)

Gene: A2ML1 (alpha-2-macroglobulin like 1; plus strand). Cytogenetic location: 12p13.31.
Variant type: single nucleotide variant.
Coding change: c.4015G>T on transcript NM_144670.6 (MANE Select); coding-DNA position 4015, G replaced by T.
Protein change: p.Glu1339Ter; replaces glutamic acid 1339 with a stop codon.
Molecular consequence: nonsense.
Genome position (GRCh38, 1-based): chr12:8,868,311, G>T. VCF-style: chr12-8868311-G-T. GRCh37 (hg19) VCF-style: chr12-9020907-G-T.
Other names: c.2542G>T, p.Glu848Ter (NM_001282424.3); short protein forms E848*, E1339*.
Identifiers: ClinVar variation 4719627 (VCV004719627.1).